The following is an entry in ClinVar:

ClinVar aggregate classification (germline): Likely benign (1 of 4 stars; one submission).

Conditions:
ALDOB-related disorder. Also called: ALDOB-related condition.

Submission:

PreventionGenetics, part of Exact Sciences
Classification: Likely benign for ALDOB-related condition. Last evaluated: 2025-04-18. Review status: criteria provided, single submitter. Criteria: ACMG Guidelines, 2015. Collection method: clinical testing. Allele origin: germline.
Comment: This variant is classified as likely benign based on ACMG/AMP sequence variant interpretation guidelines (Richards et al. 2015 PMID: 25741868, with internal and published modifications).

NM_000035.4(ALDOB):c.*10C>T

Gene: ALDOB (aldolase, fructose-bisphosphate B; minus strand). Cytogenetic location: 9q31.1.
Variant type: single nucleotide variant.
Coding change: c.*10C>T on transcript NM_000035.4 (MANE Select); 10 bases downstream of the stop codon, C replaced by T.
Molecular consequence: 3 prime UTR variant.
Genome position (GRCh38, 1-based): chr9:101,421,799, G>A on the plus strand (C>T on the coding strand, the complement: ALDOB is on the minus strand). VCF-style: chr9-101421799-G-A. GRCh37 (hg19) VCF-style: chr9-104184081-G-A.
Identifiers: ClinVar variation 4979278 (VCV004979278.1).